The following is an entry in ClinVar:

NM_001005242.3(PKP2):c.2482A>T (p.Thr828Ser)

Gene: PKP2 (plakophilin 2; minus strand). Cytogenetic location: 12p11.21.
Variant type: single nucleotide variant.
Coding change: c.2482A>T on transcript NM_001005242.3 (MANE Select); coding-DNA position 2482, A replaced by T.
Protein change: p.Thr828Ser; replaces threonine 828 with serine.
Molecular consequence: missense variant. On other transcripts: synonymous variant (2).
Genome position (GRCh38, 1-based): chr12:32,792,456, T>A on the plus strand (A>T on the coding strand, the complement: PKP2 is on the minus strand). VCF-style: chr12-32792456-T-A. GRCh37 (hg19) VCF-style: chr12-32945390-T-A.
Other names: c.2292A>T, p.Gly764= (NM_001407155.1); c.2317A>T, p.Thr773Ser (NM_001407156.1); c.2155A>T, p.Thr719Ser (NM_001407158.1, NM_001407159.1); c.1965A>T, p.Gly655= (NM_001407160.1); c.2614A>T, p.Thr872Ser (NM_004572.4); short protein forms T719S, T773S, T828S, T872S.
Identifiers: ClinVar variation 3075063 (VCV003075063.1), dbSNP rs1001545861, ClinGen allele CA235214932.

ClinVar aggregate classification (germline): Uncertain significance (1 of 4 stars; one submission).

Conditions:
Arrhythmogenic right ventricular cardiomyopathy (ARVD). Also called: Arrhythmogenic right ventricular dysplasia; Cardiomyopathy, ARVC; Arrhythmogenic cardiomyopathy; Arrhythmogenic Right Ventricular Cardiomyopathy (ARVC). Identifiers: Orphanet 247, MedGen C0349788, MeSH D019571, MONDO:0016587. Disease mechanism: loss of function. Inheritance: Various modes of inheritance.

Allele frequency attached by ClinVar (database versions not stated): gnomAD 0.00001; TOPMed 0.00001.
gnomAD v4.1: 1 of 1,613,862 alleles (0.000062%); highest among the groups gnomAD compares: Non-Finnish European, 0.000085%; no homozygotes.

Submission:

All of Us Research Program, National Institutes of Health
Classification: Uncertain significance for Arrhythmogenic right ventricular cardiomyopathy. Last evaluated: 2023-12-18. Review status: criteria provided, single submitter. Criteria: ACMG Guidelines, 2015. Collection method: clinical testing. Allele origin: germline. Inheritance: Autosomal dominant inheritance. Observed: 1 variant allele, 1 heterozygote.
Comment: This missense variant replaces threonine with serine at codon 872 of the PKP2 protein. Computational prediction suggests that this variant may not impact protein structure and function (internally defined REVEL score threshold <= 0.5, PMID: 27666373). To our knowledge, functional studies have not been reported for this variant. This variant has not been reported in individuals affected with PKP2-related disorders in the literature. This variant has not been identified in the general population by the Genome Aggregation Database (gnomAD). The available evidence is insufficient to determine the role of this variant in disease conclusively. Therefore, this variant is classified as a Variant of Uncertain Significance.

This study involves interpretation of variants in research participants for the purpose of population health screening. Participant phenotype was not available at the time of variant classification. Additional details can be found in publication PMID: 35346344, PMCID: PMC8962531